The following is an entry in ClinVar:

ClinVar aggregate classification (germline): Uncertain significance (1 of 4 stars; one submission).

Conditions:
Cohen syndrome (COH1). Also called: PEPPER SYNDROME; Cutis verticis gyrata, retinitis pigmentosa, and sensorineural deafness. Identifiers: Orphanet 193, MedGen C0265223, MONDO:0008999, OMIM 216550.

Allele frequency attached by ClinVar (database versions not stated): gnomAD exomes below 0.00001; TOPMed below 0.00001; ExAC 0.00001; gnomAD 0.00001.
gnomAD v4.1: 2 of 1,614,026 alleles (0.00012%); highest among the groups gnomAD compares: Non-Finnish European, 0.00017%; no homozygotes.

Submission:

Labcorp Genetics (formerly Invitae), Labcorp
Classification: Uncertain significance for Cohen syndrome. Last evaluated: 2025-01-13. Review status: criteria provided, single submitter. Criteria: Invitae Variant Classification Sherloc (09022015). Collection method: clinical testing. Allele origin: germline.
Comment: This sequence change replaces isoleucine, which is neutral and non-polar, with valine, which is neutral and non-polar, at codon 876 of the VPS13B protein (p.Ile876Val). This variant is present in population databases (rs772082436, gnomAD 0.0009%). This variant has not been reported in the literature in individuals affected with VPS13B-related conditions. ClinVar contains an entry for this variant (Variation ID: 1395003). Invitae Evidence Modeling of protein sequence and biophysical properties (such as structural, functional, and spatial information, amino acid conservation, physicochemical variation, residue mobility, and thermodynamic stability) indicates that this missense variant is not expected to disrupt VPS13B protein function with a negative predictive value of 80%. In summary, the available evidence is currently insufficient to determine the role of this variant in disease. Therefore, it has been classified as a Variant of Uncertain Significance.

NM_152564.5(VPS13B):c.2626A>G (p.Ile876Val)

Gene: VPS13B (vacuolar protein sorting 13 homolog B; plus strand). Cytogenetic location: 8q22.2.
Variant type: single nucleotide variant.
Coding change: c.2626A>G on transcript NM_152564.5 (MANE Select); coding-DNA position 2626, A replaced by G.
Protein change: p.Ile876Val; replaces isoleucine 876 with valine.
Molecular consequence: missense variant.
Genome position (GRCh38, 1-based): chr8:99,274,308, A>G. VCF-style: chr8-99274308-A-G. GRCh37 (hg19) VCF-style: chr8-100286536-A-G.
Other names: c.2626A>G, p.Ile876Val (NM_017890.5); short protein forms I876V.
Identifiers: ClinVar variation 1395003 (VCV001395003.6), dbSNP rs772082436, ClinGen allele CA4822969.